The following is an entry in ClinVar:

ClinVar aggregate classification (germline): Uncertain significance (1 of 4 stars; one submission).

Conditions:
Inborn genetic diseases. Identifiers: MedGen C0950123, MeSH D030342.

Allele frequency attached by ClinVar (database versions not stated): gnomAD exomes below 0.00001.
gnomAD v4.1: 1 of 1,613,670 alleles (0.000062%); highest among the groups gnomAD compares: Non-Finnish European, 0.000085%; no homozygotes.

Submission:

Ambry Genetics
Classification: Uncertain significance for Inborn genetic diseases. Last evaluated: 2023-05-13. Review status: criteria provided, single submitter. Criteria: Ambry Variant Classification Scheme 2023. Collection method: clinical testing. Allele origin: germline.
Comment: The p.G1900R variant (also known as c.5698G>A), located in coding exon 39 of the LRRK2 gene, results from a G to A substitution at nucleotide position 5698. The glycine at codon 1900 is replaced by arginine, an amino acid with dissimilar properties. This amino acid position is conserved. In addition, the in silico prediction for this alteration is inconclusive. Since supporting evidence is limited at this time, the clinical significance of this alteration remains unclear.

NM_198578.4(LRRK2):c.5698G>A (p.Gly1900Arg)

Gene: LRRK2 (leucine rich repeat kinase 2; plus strand). Cytogenetic location: 12q12.
Variant type: single nucleotide variant.
Coding change: c.5698G>A on transcript NM_198578.4 (MANE Select); coding-DNA position 5698, G replaced by A.
Protein change: p.Gly1900Arg; replaces glycine 1900 with arginine.
Molecular consequence: missense variant.
Genome position (GRCh38, 1-based): chr12:40,328,401, G>A. VCF-style: chr12-40328401-G-A. GRCh37 (hg19) VCF-style: chr12-40722203-G-A.
Other names: short protein forms G1900R.
Identifiers: ClinVar variation 2567395 (VCV002567395.2), dbSNP rs2499907470, ClinGen allele CA384399559.